The following is an entry in ClinVar:

ClinVar aggregate classification (germline): Uncertain significance (0 of 4 stars; one submission).

Conditions:
KDM2B-related disorder. Also called: KDM2B-related condition.

Submission:

PreventionGenetics, part of Exact Sciences
Classification: Uncertain significance for KDM2B-related condition. Last evaluated: 2024-02-05. Review status: no assertion criteria provided. Collection method: clinical testing. Allele origin: germline.
Comment: The KDM2B c.3776C>T variant is predicted to result in the amino acid substitution p.Thr1259Ile. To our knowledge, this variant has not been reported in the literature or in a large population database, indicating this variant is rare. At this time, the clinical significance of this variant is uncertain due to the absence of conclusive functional and genetic evidence.

NM_032590.5(KDM2B):c.*150C>T

Gene: KDM2B (lysine demethylase 2B; minus strand). Cytogenetic location: 12q24.31.
Variant type: single nucleotide variant.
Coding change: c.*150C>T on transcript NM_032590.5 (MANE Select); 150 bases downstream of the stop codon, C replaced by T.
Molecular consequence: 3 prime UTR variant. On other transcripts: missense variant (1).
Genome position (GRCh38, 1-based): chr12:121,430,138, G>A on the plus strand (C>T on the coding strand, the complement: KDM2B is on the minus strand). VCF-style: chr12-121430138-G-A. GRCh37 (hg19) VCF-style: chr12-121867941-G-A.
Other names: c.3776C>T, p.Thr1259Ile (NM_001005366.2); short protein forms T1259I.
Identifiers: ClinVar variation 3045774 (VCV003045774.2), dbSNP rs1555285103, ClinGen allele CA386967448.